The following is an entry in ClinVar:

NM_000548.5(TSC2):c.3933G>C (p.Leu1311=)

Gene: TSC2 (TSC complex subunit 2; plus strand). Cytogenetic location: 16p13.3.
Variant type: single nucleotide variant.
Coding change: c.3933G>C on transcript NM_000548.5 (MANE Select); coding-DNA position 3933, G replaced by C.
Protein change: p.Leu1311=; no amino-acid change (leucine 1311 retained).
Molecular consequence: synonymous variant. On other transcripts: non-coding transcript variant (5).
Genome position (GRCh38, 1-based): chr16:2,083,744, G>C. VCF-style: chr16-2083744-G-C. GRCh37 (hg19) VCF-style: chr16-2133745-G-C.
Other names: c.3732G>C, p.Leu1244= (NM_001077183.3); c.3864G>C, p.Leu1288= (NM_001114382.3); c.3624G>C, p.Leu1208= (NM_001318827.2); c.3588G>C, p.Leu1196= (NM_001318829.2); c.3201G>C, p.Leu1067= (NM_001318831.2); c.3765G>C, p.Leu1255= (NM_001318832.2); c.3735G>C, p.Leu1245= (NM_001363528.2); c.3801G>C, p.Leu1267= (NM_001370404.1); and 26 more.
Identifiers: ClinVar variation 4071322 (VCV004071322.1).

ClinVar aggregate classification (germline): Benign (1 of 4 stars; one submission).

Conditions:
Tuberous sclerosis 2 (TSC2). Identifiers: Orphanet 805, MedGen C1860707, MONDO:0013199, OMIM 613254.

Submission:

Myriad Genetics, Inc.
Classification: Benign for Tuberous sclerosis 2. Last evaluated: 2025-06-02. Review status: criteria provided, single submitter. Criteria: Myriad Autosomal Dominant, Autosomal Recessive and X-Linked Classification Criteria (2023). Collection method: clinical testing. Allele origin: unknown.
Comment: This variant is considered benign. This variant is a silent/synonymous amino acid change and it is not expected to impact splicing.